The following is an entry in ClinVar:

ClinVar aggregate classification (germline): Uncertain significance (1 of 4 stars; one submission).

Conditions:
Long QT syndrome (LQTS). Identifiers: MedGen C0023976, MeSH D008133, MONDO:0002442. Disease mechanism: loss of function. Inheritance: Various modes of inheritance.

gnomAD v4.1: 1 of 1,614,018 alleles (0.000062%); no homozygotes.

Submission:

Labcorp Genetics (formerly Invitae), Labcorp
Classification: Uncertain significance for Long QT syndrome. Last evaluated: 2019-10-22. Review status: criteria provided, single submitter. Criteria: Invitae Variant Classification Sherloc (09022015). Collection method: clinical testing. Allele origin: germline.
Comment: This sequence change replaces lysine with asparagine at codon 1661 of the ANK2 protein (p.Lys1661Asn). The lysine residue is weakly conserved and there is a moderate physicochemical difference between lysine and asparagine. This variant is not present in population databases (ExAC no frequency). This variant has not been reported in the literature in individuals with ANK2-related conditions. Algorithms developed to predict the effect of missense changes on protein structure and function (SIFT, PolyPhen-2, Align-GVGD) all suggest that this variant is likely to be tolerated, but these predictions have not been confirmed by published functional studies and their clinical significance is uncertain. In summary, the available evidence is currently insufficient to determine the role of this variant in disease. Therefore, it has been classified as a Variant of Uncertain Significance.

NM_001148.6(ANK2):c.4983G>T (p.Lys1661Asn)

Gene: ANK2 (ankyrin 2; plus strand). Cytogenetic location: 4q26.
Variant type: single nucleotide variant.
Coding change: c.4983G>T on transcript NM_001148.6 (MANE Select); coding-DNA position 4983, G replaced by T.
Protein change: p.Lys1661Asn; replaces lysine 1661 with asparagine.
Molecular consequence: missense variant. On other transcripts: intron variant (68).
Genome position (GRCh38, 1-based): chr4:113,353,601, G>T. VCF-style: chr4-113353601-G-T. GRCh37 (hg19) VCF-style: chr4-114274757-G-T.
Other names: c.4749G>T, p.Lys1583Asn (NM_001386142.1); c.1383G>T, p.Lys461Asn (NM_001386166.1); c.5124G>T, p.Lys1708Asn (NM_001386174.1); c.5100G>T, p.Lys1700Asn (NM_001386175.1); c.4411+3352G>T (NM_001386186.2, NM_001386148.2); c.4213+3352G>T (NM_001354269.3); c.4291+3352G>T (NM_001386187.2); c.4252+3352G>T (NM_001386147.1); and 35 more; short protein forms K1661N, K1583N, K1700N, K1708N, K461N.
Identifiers: ClinVar variation 967293 (VCV000967293.2), dbSNP rs908995394, ClinGen allele CA357917689.